The following is an entry in ClinVar:

ClinVar aggregate classification (germline): Uncertain significance (1 of 4 stars; one submission).

Submission:

Women's Health and Genetics/Laboratory Corporation of America, LabCorp
Classification: Uncertain significance. Last evaluated: 2024-10-01. Review status: criteria provided, single submitter. Criteria: LabCorp Variant Classification Summary - May 2015. Collection method: clinical testing. Allele origin: germline.
Comment: Variant summary: The variant involves the duplication of exons 1-5 in the ZNHIT3 gene. A presumed nomenclature of c.(?_-20)_(*419_?)dup has been designated for the purposes of this classification. This duplication includes the entire coding sequence of the gene. As exact breakpoints are unknown, it may extend beyond the annotated region of the gene, to include other flanking genes. The variant was absent in 21694 control chromosomes in the gnomAD database (Structural Variants v2.1 dataset). The available data on variant occurrences in the general population are insufficient to allow any conclusion about variant significance. To our knowledge, no occurrence of duplication of exons 1-5 in individuals affected with PEHO Syndrome and no experimental evidence demonstrating its impact on protein function have been reported. No submitters have cited clinical-significance assessments for this variant to ClinVar. Based on the evidence outlined above, the variant was classified as uncertain significance.

NC_000017.10:g.(?_34842524)_(34851667_?)dup

Genes: MYO19 (myosin XIX; minus strand), ZNHIT3 (zinc finger HIT-type containing 3; plus strand). Cytogenetic location: 17q12.
Variant type: Duplication.
Identifiers: ClinVar variation 3385038 (VCV003385038.1).